The following is an entry in ClinVar:

ClinVar aggregate classification (germline): Likely pathogenic (1 of 4 stars; one submission).

Conditions:
Merosin deficient congenital muscular dystrophy (MDC1A). Also called: Congenital merosin-deficient muscular dystrophy 1A; Congenital Muscular Dystrophy Type 1A (MDC1A). Identifiers: Orphanet 258, MedGen C1263858, MONDO:0011925, OMIM 607855.

Submission:

Institute of Medical Genetics and Genomics, Sir Ganga Ram Hospital
Classification: Likely pathogenic for Merosin deficient congenital muscular dystrophy. Review status: criteria provided, single submitter. Criteria: ACMG Guidelines, 2015. Collection method: clinical testing. Allele origin: germline. Inheritance: Autosomal recessive inheritance. Affected: yes. Observed: 1 variant allele, 1 homozygote.
Comment: A homozygous 1 base deletion has been identified in LAMA2 gene. This change is present in coding exon 14 of this gene resulting a frameshift event [PVS1]. This nonsense variants is not present in the gnomAD (aggregated) database [PM2]. To our knowledge, this variant is neither submitted in clinvar database nor any publication available to predict the functional impact of this frameshift deletion. Based on the available evidences, and phenotypic overlap with the clinical symptoms of the proband, the variant has been clasified as “ Likely Pathogenic”.

NM_000426.4(LAMA2):c.1891del (p.Asp631fs)

Gene: LAMA2 (laminin subunit alpha 2; plus strand). Cytogenetic location: 6q22.33.
Variant type: Deletion.
Coding change: c.1891del on transcript NM_000426.4 (MANE Select); coding-DNA position 1891, one base deleted (G; older notation c.1891delG).
Protein change: p.Asp631fs; shifts the reading frame from aspartic acid 631.
Molecular consequence: frameshift variant.
Genome position (GRCh38, 1-based): chr6:129,252,090, G deleted. VCF-style (leftmost placement, unchanged base first): chr6-129252089-TG-T. GRCh37 (hg19) VCF-style: chr6-129573234-TG-T.
Other names: c.1891del, p.Asp631fs (NM_001079823.2); c.1891delG (NM_000426.4); short protein forms D631fs.
Identifiers: ClinVar variation 4857198 (VCV004857198.1).